The following is an entry in ClinVar:

NM_001164508.2(NEB):c.12954C>G (p.Val4318=)

Gene: NEB (nebulin; minus strand). Cytogenetic location: 2q23.3.
Variant type: single nucleotide variant.
Coding change: c.12954C>G on transcript NM_001164508.2 (MANE Select); coding-DNA position 12954, C replaced by G.
Protein change: p.Val4318=; no amino-acid change (valine 4318 retained).
Molecular consequence: synonymous variant. On other transcripts: intron variant (1).
Genome position (GRCh38, 1-based): chr2:151,604,665, G>C on the plus strand (C>G on the coding strand, the complement: NEB is on the minus strand). VCF-style: chr2-151604665-G-C. GRCh37 (hg19) VCF-style: chr2-152461179-G-C.
Other names: c.12954C>G, p.Val4318= (NM_001164507.2, NM_001271208.2); c.11601+5144C>G (NM_004543.5).
Identifiers: ClinVar variation 512632 (VCV000512632.9), dbSNP rs1553871881, ClinGen allele CA429451933.
Genomic context (GRCh38, chr2:151,604,665, plus strand): 5'-CTGATCTGGCAGACACGTCCACTGGTGCAGATAATTGCGATAATCAATGTCGCTAACCAG[G>C]ACCTGGCATTTCTTGGCTTGAACAATTGACATCATGTCCAACGGTGTGTTGTGAATTCCT-3'
Protein context (NP_001157980.2, residues 4308-4328): MSIVQAKKCQ[Val4318=]LVSDIDYRNY

ClinVar aggregate classification (germline): Likely benign. Review status: criteria provided, multiple submitters, no conflicts (2 of 4 stars). 2 submissions from 2 submitters: Likely benign (2). Last evaluated 2026-01-01.

Conditions:
Nemaline myopathy 2 (NEM2). Also called: Nemaline myopathy 2, autosomal recessive. Identifiers: MedGen C1850569, MONDO:0009725, OMIM 256030.

Submissions (2):

Labcorp Genetics (formerly Invitae), Labcorp
Classification: Likely benign for Nemaline myopathy 2. Last evaluated: 2026-01-01. Review status: criteria provided, single submitter. Criteria: Invitae Variant Classification Sherloc (09022015). Collection method: clinical testing. Allele origin: germline.

GeneDx
Classification: Likely benign. Last evaluated: 2017-10-10. Review status: criteria provided, single submitter. Criteria: GeneDx Variant Classification (06012015). Collection method: clinical testing. Allele origin: germline. Affected: yes.
Comment: This variant is considered likely benign or benign based on one or more of the following criteria: it is a conservative change, it occurs at a poorly conserved position in the protein, it is predicted to be benign by multiple in silico algorithms, and/or has population frequency not consistent with disease.